The following is an entry in ClinVar:

NM_000465.4(BARD1):c.2124G>C (p.Lys708Asn)

Gene: BARD1 (BRCA1 associated RING domain 1; minus strand). Cytogenetic location: 2q35.
Variant type: single nucleotide variant.
Coding change: c.2124G>C on transcript NM_000465.4 (MANE Select); coding-DNA position 2124, G replaced by C.
Protein change: p.Lys708Asn; replaces lysine 708 with asparagine.
Molecular consequence: missense variant. On other transcripts: non-coding transcript variant (3).
Genome position (GRCh38, 1-based): chr2:214,728,886, C>G on the plus strand (G>C on the coding strand, the complement: BARD1 is on the minus strand). VCF-style: chr2-214728886-C-G. GRCh37 (hg19) VCF-style: chr2-215593610-C-G.
Other names: c.2067G>C, p.Lys689Asn (NM_001282543.2); c.771G>C, p.Lys257Asn (NM_001282545.2); c.714G>C, p.Lys238Asn (NM_001282548.2); c.585G>C, p.Lys195Asn (NM_001282549.2); short protein forms K689N, K708N, K238N, K195N, K257N.
Identifiers: ClinVar variation 2774771 (VCV002774771.2), dbSNP rs2105987336, ClinGen allele CA350450561.
Genomic context (GRCh38, chr2:214,728,886, plus strand): 5'-AGAATCGGGTCTCGCATGGTATGCGACTGTATTGATGGTCTGAGTCACGTCACTGTCTGG[C>G]TTGGGCTTTCTACTGAGGATCTGGCCCCCACCTGCAGTGACGAGCTTAATAAGGTTGTCC-3'
Protein context (NP_000456.2, residues 698-718): GGGQILSRKP[Lys708Asn]PDSDVTQTIN

ClinVar aggregate classification (germline): Uncertain significance (1 of 4 stars; one submission).

Conditions:
Hereditary cancer-predisposing syndrome. Also called: Neoplastic Syndromes, Hereditary; Tumor predisposition; Hereditary Cancer Syndrome; Hereditary neoplastic syndrome. Identifiers: Orphanet 140162, MedGen C0027672, MeSH D009386, MONDO:0015356.

Submission:

Color Diagnostics, LLC DBA Color Health
Classification: Uncertain significance for Hereditary cancer-predisposing syndrome. Last evaluated: 2024-03-06. Review status: criteria provided, single submitter. Criteria: ACMG Guidelines, 2015. Collection method: clinical testing. Allele origin: germline.
Comment: This missense variant replaces lysine with asparagine at codon 708 of the BARD1 protein. Computational prediction suggests that this variant may not impact protein structure and function (internally defined REVEL score threshold <= 0.5, PMID: 27666373). To our knowledge, functional studies have not been reported for this variant. This variant has not been reported in individuals affected with hereditary cancer in the literature. This variant has not been identified in the general population by the Genome Aggregation Database (gnomAD). The available evidence is insufficient to determine the role of this variant in disease conclusively. Therefore, this variant is classified as a Variant of Uncertain Significance.